The following is an entry in ClinVar:

ClinVar aggregate classification (germline): Uncertain significance. Review status: criteria provided, multiple submitters, no conflicts (2 of 4 stars). 2 submissions from 2 submitters: Uncertain significance (2). Last evaluated 2026-01-16.

Conditions:
EPHB4-related disorder. Also called: EPHB4-related condition; EPHB4-related disorders.
Cardiovascular phenotype. Identifiers: MedGen CN230736.

Allele frequency attached by ClinVar (database versions not stated): gnomAD 0.00001; gnomAD exomes 0.00001; TOPMed 0.00001.
gnomAD v4.1: 10 of 1,594,734 alleles (0.00063%); highest among the groups gnomAD compares: Non-Finnish European, 0.00085%; no homozygotes.

Submissions (2):

PreventionGenetics, part of Exact Sciences
Classification: Uncertain significance for EPHB4-related condition. Last evaluated: 2026-01-16. Review status: criteria provided, single submitter. Criteria: ACMG Guidelines, 2015. Collection method: clinical testing. Allele origin: germline.
Comment: The EPHB4 c.2908T>C variant is predicted to result in the amino acid substitution p.Ser970Pro. To our knowledge, this variant has not been reported in the literature. This variant is reported in 0.0010% of alleles in individuals of European (Non-Finnish) descent in gnomAD. At this time, the clinical significance of this variant is uncertain due to the absence of conclusive functional and genetic evidence.

Ambry Genetics
Classification: Uncertain significance for Cardiovascular phenotype. Last evaluated: 2023-10-08. Review status: criteria provided, single submitter. Criteria: Ambry Variant Classification Scheme 2023. Collection method: clinical testing. Allele origin: germline.
Comment: The p.S970P variant (also known as c.2908T>C), located in coding exon 17 of the EPHB4 gene, results from a T to C substitution at nucleotide position 2908. The serine at codon 970 is replaced by proline, an amino acid with similar properties. This amino acid position is conserved. In addition, this alteration is predicted to be tolerated by in silico analysis. Since supporting evidence is limited at this time, the clinical significance of this alteration remains unclear.

NM_004444.5(EPHB4):c.2908T>C (p.Ser970Pro)

Gene: EPHB4 (EPH receptor B4; minus strand). Cytogenetic location: 7q22.1.
Variant type: single nucleotide variant.
Coding change: c.2908T>C on transcript NM_004444.5 (MANE Select); coding-DNA position 2908, T replaced by C.
Protein change: p.Ser970Pro; replaces serine 970 with proline.
Molecular consequence: missense variant.
Genome position (GRCh38, 1-based): chr7:100,803,517, A>G on the plus strand (T>C on the coding strand, the complement: EPHB4 is on the minus strand). VCF-style: chr7-100803517-A-G. GRCh37 (hg19) VCF-style: chr7-100401139-A-G.
Other names: short protein forms S970P.
Identifiers: ClinVar variation 3224287 (VCV003224287.2), dbSNP rs1007131202, ClinGen allele CA163275137.